The following is an entry in ClinVar:

NM_001378477.3(NYX):c.755G>A (p.Arg252His)

Gene: NYX (nyctalopin; plus strand). Cytogenetic location: Xp11.4.
Variant type: single nucleotide variant.
Coding change: c.755G>A on transcript NM_001378477.3 (MANE Select); coding-DNA position 755, G replaced by A.
Protein change: p.Arg252His; replaces arginine 252 with histidine.
Molecular consequence: missense variant.
Genome position (GRCh38, 1-based): chrX:41,474,223, G>A. VCF-style: chrX-41474223-G-A. GRCh37 (hg19) VCF-style: chrX-41333476-G-A.
Other names: c.755G>A, p.Arg252His (NM_022567.3); short protein forms R252H.
Identifiers: ClinVar variation 2779024 (VCV002779024.4), dbSNP rs746330892, ClinGen allele CA10389854.

ClinVar aggregate classification (germline): Uncertain significance. Review status: criteria provided, multiple submitters, no conflicts (2 of 4 stars). 2 submissions from 2 submitters: Uncertain significance (2). Last evaluated 2023-05-23.

Allele frequency attached by ClinVar (database versions not stated): gnomAD exomes below 0.00001.
gnomAD v4.1: 3 of 1,195,050 alleles (0.00025%); highest among the groups gnomAD compares: Non-Finnish European, 0.00022%; no homozygotes.

Submissions (2):

Labcorp Genetics (formerly Invitae), Labcorp
Classification: Uncertain significance. Last evaluated: 2023-05-23. Review status: criteria provided, single submitter. Criteria: Invitae Variant Classification Sherloc (09022015). Collection method: clinical testing. Allele origin: germline.
Comment: In summary, the available evidence is currently insufficient to determine the role of this variant in disease. Therefore, it has been classified as a Variant of Uncertain Significance. Advanced modeling of protein sequence and biophysical properties (such as structural, functional, and spatial information, amino acid conservation, physicochemical variation, residue mobility, and thermodynamic stability) performed at Invitae indicates that this missense variant is not expected to disrupt NYX protein function. This variant has not been reported in the literature in individuals affected with NYX-related conditions. This variant is not present in population databases (gnomAD no frequency). This sequence change replaces arginine, which is basic and polar, with histidine, which is basic and polar, at codon 257 of the NYX protein (p.Arg257His).

Blueprint Genetics
Classification: Uncertain significance. Last evaluated: 2019-10-23. Review status: criteria provided, single submitter. Criteria: ACMG Guidelines, 2015. Collection method: clinical testing. Allele origin: germline.